The following is an entry in ClinVar:

NM_000170.3(GLDC):c.471-1G>C

Gene: GLDC (glycine decarboxylase; minus strand). Cytogenetic location: 9p24.1.
Variant type: single nucleotide variant.
Coding change: c.471-1G>C on transcript NM_000170.3 (MANE Select); the canonical splice acceptor site of the intron before coding-DNA position 471, G replaced by C.
Molecular consequence: splice acceptor variant.
Genome position (GRCh38, 1-based): chr9:6,610,357, C>G on the plus strand (G>C on the coding strand, the complement: GLDC is on the minus strand). VCF-style: chr9-6610357-C-G. GRCh37 (hg19) VCF-style: chr9-6610357-C-G.
Identifiers: ClinVar variation 855382 (VCV000855382.8), dbSNP rs1818826951, ClinGen allele CA372898707.
Genomic context (GRCh38, chr9:6,610,357, plus strand): 5'-AGTAAACTCTCCAGCCTCCCCTGAGACACCTCAGGCTGGTATGGAGTATACTGGGTGATC[C>G]TGCAAGGGAAACAAAAGGTCTTGTCCAAACTGACTGCTGTTTAGAGAAGCACACAAAATG-3'

ClinVar aggregate classification (germline): Likely pathogenic (1 of 4 stars; one submission).

Conditions:
Glycine encephalopathy. Also called: Nonketotic hyperglycinemia; Non-ketotic hyperglycinemia. Identifiers: Orphanet 407, MedGen C0751748, MONDO:0011612, HP:0008288.

Submission:

Labcorp Genetics (formerly Invitae), Labcorp
Classification: Likely pathogenic for Glycine encephalopathy. Last evaluated: 2022-09-12. Review status: criteria provided, single submitter. Criteria: Invitae Variant Classification Sherloc (09022015). Collection method: clinical testing. Allele origin: germline.
Comment: In summary, the currently available evidence indicates that the variant is pathogenic, but additional data are needed to prove that conclusively. Therefore, this variant has been classified as Likely Pathogenic. Algorithms developed to predict the effect of sequence changes on RNA splicing suggest that this variant may disrupt the consensus splice site. ClinVar contains an entry for this variant (Variation ID: 855382). This variant has not been reported in the literature in individuals affected with GLDC-related conditions. This variant is not present in population databases (gnomAD no frequency). This sequence change affects an acceptor splice site in intron 3 of the GLDC gene. It is expected to disrupt RNA splicing. Variants that disrupt the donor or acceptor splice site typically lead to a loss of protein function (PMID: 16199547), and loss-of-function variants in GLDC are known to be pathogenic (PMID: 16601880).

Literature cited by the submitters: PubMed 16199547; PubMed 16601880.